The following is an entry in ClinVar:

NC_000005.10:g.112707419GC[1]

Gene: APC (APC regulator of Wnt signaling pathway; plus strand). Cytogenetic location: 5q22.2.
Variant type: Microsatellite.
Genome position: GRCh38 VCF-style: chr5-112707418-AGC-A. GRCh37 (hg19) VCF-style: chr5-112043115-AGC-A.
Identifiers: ClinVar variation 1520276 (VCV001520276.6), dbSNP rs2149628604, ClinGen allele CA2580613612.

ClinVar aggregate classification (germline): Uncertain significance (1 of 4 stars; one submission).

Conditions:
Familial adenomatous polyposis 1 (FAP1). Also called: FAMILIAL ADENOMATOUS POLYPOSIS 1, ATTENUATED; POLYPOSIS, ADENOMATOUS INTESTINAL. Identifiers: MedGen C2713442, MONDO:0021056, OMIM 175100. Disease mechanism: loss of function.

Submission:

Labcorp Genetics (formerly Invitae), Labcorp
Classification: Uncertain significance for Familial adenomatous polyposis 1. Last evaluated: 2021-02-01. Review status: criteria provided, single submitter. Criteria: Invitae Variant Classification Sherloc (09022015). Collection method: clinical testing. Allele origin: germline.
Comment: This variant occurs in a non-coding region of the APC gene. It does not change the encoded amino acid sequence of the APC protein. In summary, the available evidence is currently insufficient to determine the role of this variant in disease. Therefore, it has been classified as a Variant of Uncertain Significance. Experimental studies and prediction algorithms are not available or were not evaluated, and the functional significance of this variant is currently unknown. This variant has not been reported in the literature in individuals with APC-related conditions. The frequency data for this variant in the population databases is considered unreliable, as metrics indicate insufficient coverage at this position in the ExAC database.